The following is an entry in ClinVar:

NM_020242.3(KIF15):c.2508C>T (p.Ser836=)

Gene: KIF15 (kinesin family member 15; plus strand). Cytogenetic location: 3p21.31.
Variant type: single nucleotide variant.
Coding change: c.2508C>T on transcript NM_020242.3 (MANE Select); coding-DNA position 2508, C replaced by T.
Protein change: p.Ser836=; no amino-acid change (serine 836 retained).
Molecular consequence: synonymous variant.
Genome position (GRCh38, 1-based): chr3:44,815,035, C>T. VCF-style: chr3-44815035-C-T. GRCh37 (hg19) VCF-style: chr3-44856527-C-T.
Identifiers: ClinVar variation 5039037 (VCV005039037.1).

ClinVar aggregate classification (germline): Likely benign (1 of 4 stars; one submission).

gnomAD v4.1: 549 of 1,610,742 alleles (0.034%); highest among the groups gnomAD compares: African/African-American, 0.59%; no homozygotes.

Submission:

CeGaT Center for Human Genetics Tuebingen
Classification: Likely benign. Last evaluated: 2026-07-01. Review status: criteria provided, single submitter. Criteria: CeGaT Center For Human Genetics Tuebingen Variant Classification Criteria Version 2. Collection method: clinical testing. Allele origin: germline. Affected: yes. Observed: 1 variant allele.
Comment: KIF15: BP4, BP7